The following is an entry in ClinVar:

NM_020693.4(DSCAML1):c.3707C>T (p.Pro1236Leu)

Gene: DSCAML1 (DS cell adhesion molecule like 1; minus strand). Cytogenetic location: 11q23.3.
Variant type: single nucleotide variant.
Coding change: c.3707C>T on transcript NM_020693.4 (MANE Select); coding-DNA position 3707, C replaced by T.
Protein change: p.Pro1236Leu; replaces proline 1236 with leucine.
Molecular consequence: missense variant.
Genome position (GRCh38, 1-based): chr11:117,450,550, G>A on the plus strand (C>T on the coding strand, the complement: DSCAML1 is on the minus strand). VCF-style: chr11-117450550-G-A. GRCh37 (hg19) VCF-style: chr11-117321266-G-A.
Other names: short protein forms P1236L.
Identifiers: ClinVar variation 1416252 (VCV001416252.6), dbSNP rs369803995, ClinGen allele CA6296622.

ClinVar aggregate classification (germline): Uncertain significance (1 of 4 stars; one submission).

Allele frequency attached by ClinVar (database versions not stated): gnomAD 0.00005; gnomAD exomes 0.00006 and 0.00015; ExAC 0.00008; ESP Exome Variant Server 0.00008; TOPMed 0.00008.
gnomAD v4.1: 225 of 1,613,706 alleles (0.014%); highest among the groups gnomAD compares: Non-Finnish European, 0.018%; no homozygotes.

Submission:

Labcorp Genetics (formerly Invitae), Labcorp
Classification: Uncertain significance. Last evaluated: 2024-03-01. Review status: criteria provided, single submitter. Criteria: Invitae Variant Classification Sherloc (09022015). Collection method: clinical testing. Allele origin: germline.
Comment: This sequence change replaces proline, which is neutral and non-polar, with leucine, which is neutral and non-polar, at codon 1296 of the DSCAML1 protein (p.Pro1296Leu). This variant is present in population databases (rs369803995, gnomAD 0.02%). This variant has not been reported in the literature in individuals affected with DSCAML1-related conditions. ClinVar contains an entry for this variant (Variation ID: 1416252). An algorithm developed to predict the effect of missense changes on protein structure and function (PolyPhen-2) suggests that this variant is likely to be tolerated. In summary, the available evidence is currently insufficient to determine the role of this variant in disease. Therefore, it has been classified as a Variant of Uncertain Significance.